The following is an entry in ClinVar:

ClinVar aggregate classification (germline): Uncertain significance (1 of 4 stars; one submission).

Conditions:
Hereditary cancer-predisposing syndrome. Also called: Neoplastic Syndromes, Hereditary; Tumor predisposition; Hereditary neoplastic syndrome; Hereditary Cancer Syndrome. Identifiers: Orphanet 140162, MedGen C0027672, MeSH D009386, MONDO:0015356.

Allele frequency attached by ClinVar (database versions not stated): gnomAD exomes below 0.00001; gnomAD 0.00001.
gnomAD v4.1: 6 of 1,608,936 alleles (0.00037%); highest among the groups gnomAD compares: Admixed American, 0.0017%; no homozygotes.

Submission:

Ambry Genetics
Classification: Uncertain significance for Hereditary cancer-predisposing syndrome. Last evaluated: 2024-02-09. Review status: criteria provided, single submitter. Criteria: Ambry Variant Classification Scheme 2023. Collection method: clinical testing. Allele origin: germline.
Comment: The c.521+3A>G intronic variant results from an A to G substitution 3 nucleotides after coding exon 5 in the FANCC gene. This nucleotide position is highly conserved in available vertebrate species. In silico splice site analysis predicts that this alteration may weaken the native splice donor site. Based on the available evidence, the clinical significance of this alteration remains unclear.

NM_000136.3(FANCC):c.521+3A>G

Gene: FANCC (FA complementation group C; minus strand). Cytogenetic location: 9q22.32.
Variant type: single nucleotide variant.
Coding change: c.521+3A>G on transcript NM_000136.3 (MANE Select); 3 bases into the intron after coding-DNA position 521, A replaced by G.
Molecular consequence: intron variant.
Genome position (GRCh38, 1-based): chr9:95,171,076, T>C on the plus strand (A>G on the coding strand, the complement: FANCC is on the minus strand). VCF-style: chr9-95171076-T-C. GRCh37 (hg19) VCF-style: chr9-97933358-T-C.
Other names: c.521+3A>G (NM_001243743.2, NM_001243744.2).
Identifiers: ClinVar variation 3230387 (VCV003230387.1), dbSNP rs1311933413, ClinGen allele CA589489205.